The following is an entry in ClinVar:

NM_006059.4(LAMC3):c.1688G>A (p.Arg563Gln)

Genes: LAMC3 (laminin subunit gamma 3; plus strand), LOC126860777 (BRD4-independent group 4 enhancer GRCh37_chr9:133927058-133928257; plus strand). Cytogenetic location: 9q34.12.
Variant type: single nucleotide variant.
Coding change: c.1688G>A on transcript NM_006059.4 (MANE Select); coding-DNA position 1688, G replaced by A.
Protein change: p.Arg563Gln; replaces arginine 563 with glutamine.
Molecular consequence: missense variant.
Genome position (GRCh38, 1-based): chr9:131,052,548, G>A. VCF-style: chr9-131052548-G-A. GRCh37 (hg19) VCF-style: chr9-133927935-G-A.
Other names: c.1688G>A (NM_006059.3); short protein forms R563Q.
Identifiers: ClinVar variation 872612 (VCV000872612.50), dbSNP rs150171154, ClinGen allele CA5287168.

ClinVar aggregate classification (germline): Conflicting classifications of pathogenicity. Review status: criteria provided, conflicting classifications (1 of 4 stars). 7 submissions from 7 submitters: Uncertain significance (4); Likely benign (1). 2 of the submissions do not count toward it. Last evaluated 2024-10-29.

Conditions:
Inborn genetic diseases. Identifiers: MedGen C0950123, MeSH D030342.

Allele frequency attached by ClinVar (database versions not stated): gnomAD 0.00013 and 0.00014; gnomAD exomes 0.00013; TOPMed 0.00014; ExAC 0.00015; ESP Exome Variant Server 0.00023.
gnomAD v4.1: 231 of 1,614,140 alleles (0.014%); highest among the groups gnomAD compares: Middle Eastern, 0.73%; 1 homozygote.

Submissions (8):

Blueprint Genetics
Classification: Likely benign. Last evaluated: 2024-10-29. Review status: criteria provided, single submitter. Criteria: ACMG Guidelines, 2015. Collection method: clinical testing. Allele origin: germline.

Labcorp Genetics (formerly Invitae), Labcorp
Classification: Uncertain significance. Last evaluated: 2023-12-23. Review status: criteria provided, single submitter. Criteria: Invitae Variant Classification Sherloc (09022015). Collection method: clinical testing. Allele origin: germline.
Comment: This sequence change replaces arginine, which is basic and polar, with glutamine, which is neutral and polar, at codon 563 of the LAMC3 protein (p.Arg563Gln). This variant is present in population databases (rs150171154, gnomAD 0.02%). This variant has not been reported in the literature in individuals affected with LAMC3-related conditions. ClinVar contains an entry for this variant (Variation ID: 872612). Algorithms developed to predict the effect of missense changes on protein structure and function output the following: SIFT: "Not Available"; PolyPhen-2: "Benign"; Align-GVGD: "Not Available". The glutamine amino acid residue is found in multiple mammalian species, which suggests that this missense change does not adversely affect protein function. In summary, the available evidence is currently insufficient to determine the role of this variant in disease. Therefore, it has been classified as a Variant of Uncertain Significance.

Ambry Genetics
Classification: Uncertain significance for Inborn genetic diseases. Last evaluated: 2022-07-31. Review status: criteria provided, single submitter. Criteria: Ambry Variant Classification Scheme 2023. Collection method: clinical testing. Allele origin: germline.

CeGaT Center for Human Genetics Tuebingen
Classification: Uncertain significance. Last evaluated: 2019-07-01. Review status: criteria provided, single submitter. Criteria: CeGaT Center For Human Genetics Tuebingen Variant Classification Criteria Version 2. Collection method: clinical testing. Allele origin: germline. Affected: yes. Observed: 1 variant allele.

Breakthrough Genomics
Classification: Uncertain significance. Review status: criteria provided, single submitter. Criteria: ACMG Guidelines, 2015. Collection method: not provided. Allele origin: germline. Inheritance: Autosomal recessive inheritance. Affected: yes.

Clinical Genetics DNA and cytogenetics Diagnostics Lab, Erasmus MC, Erasmus Medical Center
Classification: Likely benign. Review status: no assertion criteria provided. Collection method: clinical testing. Allele origin: germline. Affected: yes. Study: VKGL Data-share Consensus. Not counted in ClinVar's aggregate classification.

Dr. Peter K. Rogan Lab, Western University
No classification provided (evidence only). Condition: Gastric cancer. Review status: no classification provided. Collection method: in vitro. Allele origin: not applicable. Functional consequence: retained intron. Not counted in ClinVar's aggregate classification.

Genome Diagnostics Laboratory, Amsterdam University Medical Center
Classification: Likely benign. Review status: no assertion criteria provided. Collection method: clinical testing. Allele origin: germline. Affected: yes. Study: VKGL Data-share Consensus. Not counted in ClinVar's aggregate classification.